The following is an entry in ClinVar:

ClinVar aggregate classification (germline): Uncertain significance (1 of 4 stars; one submission).

Conditions:
Spastic paraplegia, intellectual disability, nystagmus, and obesity. Also called: Spastic paraplegia, intellectual disability, nystagmus, and obesity;. Identifiers: Orphanet 521390, MedGen C4284592, MONDO:0015007, OMIM 617296.

Allele frequency attached by ClinVar (database versions not stated): gnomAD exomes below 0.00001; ExAC 0.00001.
gnomAD v4.1: 1 of 1,614,226 alleles (0.000062%); highest among the groups gnomAD compares: Non-Finnish European, 0.000085%; no homozygotes.

Submission:

Neuberg Centre For Genomic Medicine, NCGM
Classification: Uncertain significance for Spastic paraplegia, intellectual disability, nystagmus, and obesity. Last evaluated: 2023-03-01. Review status: criteria provided, single submitter. Criteria: ACMG Guidelines, 2015. Collection method: clinical testing. Allele origin: germline. Inheritance: Autosomal dominant inheritance. Affected: yes.
Comment: The missense c.4631A>G(p.Lys1544Arg) variant in KIDINS220 gene has not been reported previously as a pathogenic variant nor a benign variant, to our knowledge. The p.Lys1544Arg variant has been reported with allele frequency of 0.0004% in gnomAD Exomes and is novel (not in any individuals) in 1000 Genomes. This variant has not been reported to the ClinVar database. The amino acid change p.Lys1544Arg in KIDINS220 is predicted as conserved by GERP++ and PhyloP across 100 vertebrates. The amino acid Lys at position 1544 is changed to a Arg changing protein sequence and it might alter its composition and physico-chemical properties. For these reasons, this variant has been classified as a Variant of Uncertain Significance (VUS).

NM_020738.4(KIDINS220):c.4631A>G (p.Lys1544Arg)

Gene: KIDINS220 (kinase D interacting substrate 220; minus strand). Cytogenetic location: 2p25.1.
Variant type: single nucleotide variant.
Coding change: c.4631A>G on transcript NM_020738.4 (MANE Select); coding-DNA position 4631, A replaced by G.
Protein change: p.Lys1544Arg; replaces lysine 1544 with arginine.
Molecular consequence: missense variant. On other transcripts: intron variant (6).
Genome position (GRCh38, 1-based): chr2:8,731,405, T>C on the plus strand (A>G on the coding strand, the complement: KIDINS220 is on the minus strand). VCF-style: chr2-8731405-T-C. GRCh37 (hg19) VCF-style: chr2-8871535-T-C.
Other names: c.4634A>G, p.Lys1545Arg (NM_001348729.2); c.4577A>G, p.Lys1526Arg (NM_001348731.2); c.4574A>G, p.Lys1525Arg (NM_001348732.2); c.4463A>G, p.Lys1488Arg (NM_001348734.2); c.4460A>G, p.Lys1487Arg (NM_001348735.2); c.4334A>G, p.Lys1445Arg (NM_001348736.2); c.3882+2039A>G (NM_001348741.2, NM_001348742.2, NM_001348743.2); c.3996+2039A>G (NM_001348738.2); and 1 more; short protein forms K1445R, K1487R, K1488R, K1525R, K1526R, K1544R, K1545R.
Identifiers: ClinVar variation 2671679 (VCV002671679.1), dbSNP rs779805148, ClinGen allele CA1519340.